The following is an entry in ClinVar:

ClinVar aggregate classification (germline): Uncertain significance. Review status: criteria provided, multiple submitters, no conflicts (2 of 4 stars). 2 submissions from 2 submitters: Uncertain significance (2). Last evaluated 2026-06-03.

Conditions:
Familial thoracic aortic aneurysm and aortic dissection (TAAD). Also called: Thoracic aortic aneurysms and dissections. Identifiers: Orphanet 91387, MedGen C4707243, MONDO:0019625.
Hereditary cancer-predisposing syndrome. Also called: Hereditary Cancer Syndrome; Tumor predisposition; Hereditary neoplastic syndrome; Neoplastic Syndromes, Hereditary. Identifiers: Orphanet 140162, MedGen C0027672, MeSH D009386, MONDO:0015356.
Juvenile polyposis syndrome (JPS). Identifiers: Orphanet 2929, MedGen C0345893, MONDO:0017380, OMIM 174900.

Submissions (2):

Ambry Genetics
Classification: Uncertain significance for Hereditary cancer-predisposing syndrome; Familial thoracic aortic aneurysm and aortic dissection. Last evaluated: 2026-06-03. Review status: criteria provided, single submitter. Criteria: Ambry Variant Classification Scheme 2023. Collection method: clinical testing. Allele origin: germline.
Comment: The p.V409A variant (also known as c.1226T>C), located in coding exon 9 of the SMAD4 gene, results from a T to C substitution at nucleotide position 1226. The valine at codon 409 is replaced by alanine, an amino acid with similar properties. This amino acid position is conserved. In addition, this alteration is predicted to be deleterious by in silico analysis. Based on the available evidence, the clinical significance of this variant remains unclear.

Labcorp Genetics (formerly Invitae), Labcorp
Classification: Uncertain significance for Juvenile polyposis syndrome. Last evaluated: 2017-07-16. Review status: criteria provided, single submitter. Criteria: Invitae Variant Classification Sherloc (09022015). Collection method: clinical testing. Allele origin: germline.
Comment: In summary, the available evidence is currently insufficient to determine the role of this variant in disease. Therefore, it has been classified as a Variant of Uncertain Significance. Algorithms developed to predict the effect of missense changes on protein structure and function (SIFT, PolyPhen-2, Align-GVGD) all suggest that this variant is likely to be disruptive, but these predictions have not been confirmed by published functional studies and their clinical significance is uncertain. This variant has not been reported in the literature in individuals with SMAD4-related disease. This variant is not present in population databases (ExAC no frequency). This sequence change replaces valine with alanine at codon 409 of the SMAD4 protein (p.Val409Ala). The valine residue is highly conserved and there is a small physicochemical difference between valine and alanine.

NM_005359.6(SMAD4):c.1226T>C (p.Val409Ala)

Gene: SMAD4 (SMAD family member 4; plus strand). Cytogenetic location: 18q21.2.
Variant type: single nucleotide variant.
Coding change: c.1226T>C on transcript NM_005359.6 (MANE Select); coding-DNA position 1226, T replaced by C.
Protein change: p.Val409Ala; replaces valine 409 with alanine.
Molecular consequence: missense variant.
Genome position (GRCh38, 1-based): chr18:51,067,105, T>C. VCF-style: chr18-51067105-T-C. GRCh37 (hg19) VCF-style: chr18-48593475-T-C.
Other names: short protein forms V409A.
Identifiers: ClinVar variation 460531 (VCV000460531.12), dbSNP rs1555686607, ClinGen allele CA402464899.